The following is an entry in ClinVar:

ClinVar aggregate classification (germline): Conflicting classifications of pathogenicity. Review status: criteria provided, conflicting classifications (1 of 4 stars). 2 submissions from 2 submitters: Uncertain significance (1); Likely benign (1). Last evaluated 2025-01-13.

Conditions:
Cardiomyopathy (CMYO). Also called: Cardiomyopathies. Identifiers: Orphanet 167848, MedGen C0878544, MONDO:0004994, HP:0001638. Inheritance: Various modes of inheritance.
Hypertrophic cardiomyopathy. Also called: HYPERTROPHIC MYOCARDIOPATHY. Identifiers: Orphanet 217569, MedGen C0007194, MeSH D002312, MONDO:0005045, HP:0001639.

Allele frequency attached by ClinVar (database versions not stated): gnomAD exomes below 0.00001.
gnomAD v4.1: 1 of 1,610,836 alleles (0.000062%); highest among the groups gnomAD compares: Non-Finnish European, 0.000085%; no homozygotes.

Submissions (2):

Color Diagnostics, LLC DBA Color Health
Classification: Uncertain significance for Cardiomyopathy. Last evaluated: 2025-01-13. Review status: criteria provided, single submitter. Criteria: ACMG Guidelines, 2015. Collection method: clinical testing. Allele origin: germline.
Comment: This variant causes a G to A nucleotide substitution at the -8 position of intron 37 of the MYH7 gene. To our knowledge, functional studies have not been reported for this variant. This variant has been reported in an individual affected with hypertrophic cardiomyopathy (PMID: 32492895). This variant has not been identified in the general population by the Genome Aggregation Database (gnomAD). The available evidence is insufficient to determine the role of this variant in disease conclusively. Therefore, this variant is classified as a Variant of Uncertain Significance.

Labcorp Genetics (formerly Invitae), Labcorp
Classification: Likely benign for Hypertrophic cardiomyopathy. Last evaluated: 2021-04-09. Review status: criteria provided, single submitter. Criteria: Invitae Variant Classification Sherloc (09022015). Collection method: clinical testing. Allele origin: germline.

Literature cited by the submitters: PubMed 32492895 (cited by Color Diagnostics, LLC DBA Color Health).

NM_000257.4(MYH7):c.5560-8G>A

Gene: MYH7 (myosin heavy chain 7; minus strand). Cytogenetic location: 14q11.2.
Variant type: single nucleotide variant.
Coding change: c.5560-8G>A on transcript NM_000257.4 (MANE Select); 8 bases into the intron before coding-DNA position 5560, G replaced by A.
Molecular consequence: intron variant.
Genome position (GRCh38, 1-based): chr14:23,414,110, C>T on the plus strand (G>A on the coding strand, the complement: MYH7 is on the minus strand). VCF-style: chr14-23414110-C-T. GRCh37 (hg19) VCF-style: chr14-23883319-C-T.
Identifiers: ClinVar variation 1549280 (VCV001549280.9), dbSNP rs1421700682, ClinGen allele CA612936618.